The following is an entry in ClinVar:

NM_000349.3(STAR):c.465+2T>A

Gene: STAR (steroidogenic acute regulatory protein; minus strand). Cytogenetic location: 8p11.23.
Variant type: single nucleotide variant.
Coding change: c.465+2T>A on transcript NM_000349.3 (MANE Select); the canonical splice donor site of the intron after coding-DNA position 465, T replaced by A.
Molecular consequence: splice donor variant.
Genome position (GRCh38, 1-based): chr8:38,146,287, A>T on the plus strand (T>A on the coding strand, the complement: STAR is on the minus strand). VCF-style: chr8-38146287-A-T. GRCh37 (hg19) VCF-style: chr8-38003805-A-T.
Identifiers: ClinVar variation 4818220 (VCV004818220.1).
Genomic context (GRCh38, chr8:38,146,287, plus strand): 5'-TGATACAGCATTCACACTGGGCTCTCCTGGGCCCCTGCCACCTGCACCTGGACTTTGCTC[A>T]CCTTGATCTCCTTGACATTGGGGTTCCACTCCCCCATTGCTTCCATGCGCTCCACGAGCT-3'

ClinVar aggregate classification (germline): Pathogenic (1 of 4 stars; one submission).

Conditions:
Congenital lipoid adrenal hyperplasia due to STAR deficency. Also called: ADRENAL HYPERPLASIA I; Congenital Lipoid Adrenal Hyperplasia; Lipoid adrenal hyperplasia; Cholesterol monooxygenase (side-chain cleaving) deficiency. Identifiers: Orphanet 418, Orphanet 90790, MedGen C0342474, MONDO:0008725, OMIM 201710.

Submission:

Natera, Inc.
Classification: Pathogenic for Congenital lipoid adrenal hyperplasia. Last evaluated: 2025-04-10. Review status: criteria provided, single submitter. Criteria: Natera Variant Classification Schema (03/2026). Collection method: clinical testing. Allele origin: germline.
Comment: The c.465+2T>A variant in STAR is a canonical splice donor site variant predicted to affect pre-mRNA splicing, which may result in an abnormal transcript and altered protein product. This variant is expected to result in nonsense mediated decay, truncation, or a dysfunctional protein product. This variant is rare in the general population with a frequency below the threshold expected for the associated phenotype(s). This variant has been observed in one or more individuals affected with the associated recessive disease, as either homozygous or compound heterozygous with a second variant (PMID: 26827627, 33227378). Given the available evidence, this variant is classified as Pathogenic.

Literature cited by the submitters: PubMed 26827627; PubMed 33227378.